The following is an entry in ClinVar:

ClinVar aggregate classification (germline): Likely benign. Review status: criteria provided, multiple submitters, no conflicts (2 of 4 stars). 2 submissions from 2 submitters: Likely benign (2). Last evaluated 2025-11-05.

Conditions:
Gorlin syndrome. Also called: Nevoid Basal Cell Carcinoma Syndrome; Basal cell nevus syndrome. Identifiers: Orphanet 377, MedGen C0004779, MONDO:0007187.

Allele frequency attached by ClinVar (database versions not stated): TOPMed 0.00001.
gnomAD v4.1: 7 of 1,614,014 alleles (0.00043%); highest among the groups gnomAD compares: African/African-American, 0.0013%; no homozygotes.

Submissions (2):

Labcorp Genetics (formerly Invitae), Labcorp
Classification: Likely benign for Gorlin syndrome. Last evaluated: 2025-11-05. Review status: criteria provided, single submitter. Criteria: Invitae Variant Classification Sherloc (09022015). Collection method: clinical testing. Allele origin: germline.

GeneDx
Classification: Likely benign. Last evaluated: 2016-03-03. Review status: criteria provided, single submitter. Criteria: GeneDx Variant Classification (06012015). Collection method: clinical testing. Allele origin: germline. Affected: yes.
Comment: This variant is considered likely benign or benign based on one or more of the following criteria: it is a conservative change, it occurs at a poorly conserved position in the protein, it is predicted to be benign by multiple in silico algorithms, and/or has population frequency not consistent with disease.

NM_000264.5(PTCH1):c.1215+15G>T

Gene: PTCH1 (patched 1; minus strand). Cytogenetic location: 9q22.32.
Variant type: single nucleotide variant.
Coding change: c.1215+15G>T on transcript NM_000264.5 (MANE Select); 15 bases into the intron after coding-DNA position 1215, G replaced by T.
Molecular consequence: intron variant.
Genome position (GRCh38, 1-based): chr9:95,478,985, C>A on the plus strand (G>T on the coding strand, the complement: PTCH1 is on the minus strand). VCF-style: chr9-95478985-C-A. GRCh37 (hg19) VCF-style: chr9-98241267-C-A.
Other names: c.762+15G>T (NM_001083604.3, NM_001083606.3, NM_001083607.3 and 1 more transcripts); c.1212+15G>T (NM_001083603.3); c.1017+15G>T (NM_001083602.3); c.1215+15G>T (NM_001354918.2).
Identifiers: ClinVar variation 383993 (VCV000383993.9), dbSNP rs781602634, ClinGen allele CA5138745.